The following is an entry in ClinVar:

ClinVar aggregate classification (germline): Conflicting classifications of pathogenicity. Review status: criteria provided, conflicting classifications (1 of 4 stars). 3 submissions from 3 submitters: Likely pathogenic (2); Uncertain significance (1). Last evaluated 2024-05-01.

Conditions:
Glutaric aciduria, type 1. Also called: Glutaryl-CoA dehydrogenase deficiency; Glutaric Acidemia Type 1; GA I; Glutaric acidemia type I; Glutaricacidemia Type 1; Glutaricaciduria, type I. Identifiers: Orphanet 25, MedGen C0268595, MONDO:0009281, OMIM 231670.

gnomAD v4.1: 11 of 1,611,880 alleles (0.00068%); highest among the groups gnomAD compares: Middle Eastern, 0.033%; no homozygotes.

Submissions (3):

Women's Health and Genetics/Laboratory Corporation of America, LabCorp
Classification: Uncertain significance. Last evaluated: 2024-05-01. Review status: criteria provided, single submitter. Criteria: LabCorp Variant Classification Summary - May 2015. Collection method: clinical testing. Allele origin: germline.
Comment: Variant summary: GCDH c.701G>A (p.Arg234Gln) results in a conservative amino acid change located in the Acyl-CoA oxidase/dehydrogenase, middle domain (IPR006091) of the encoded protein sequence. Three of five in-silico tools predict a damaging effect of the variant on protein function. The variant was absent in 251446 control chromosomes. c.701G>A has not been reported in the literature in individuals affected with Glutaric Acidemia Type 1. To our knowledge, no experimental evidence demonstrating an impact on protein function has been reported. A different missense variant affecting this codon, c.700C>T (p.Arg234Trp) has been reported in the literature in individuals affected with Glutaric Acidemia Type 1 (Wang_2014, Pokora_2019), suggesting that this amino acid residue may be clinically important. The following publications have been ascertained in the context of this evaluation (PMID: 37020324, 25190159, 30570710). ClinVar contains an entry for this variant (Variation ID: 1502957). Based on the evidence outlined above, the variant was classified as a variant of uncertain significance.

Baylor Genetics
Classification: Likely pathogenic for Glutaric aciduria, type 1. Last evaluated: 2023-09-09. Review status: criteria provided, single submitter. Criteria: ACMG Guidelines, 2015. Collection method: clinical testing. Allele origin: unknown.

Labcorp Genetics (formerly Invitae), Labcorp
Classification: Likely pathogenic for Glutaric aciduria, type 1. Last evaluated: 2022-03-28. Review status: criteria provided, single submitter. Criteria: Invitae Variant Classification Sherloc (09022015). Collection method: clinical testing. Allele origin: germline.
Comment: This sequence change replaces arginine, which is basic and polar, with glutamine, which is neutral and polar, at codon 234 of the GCDH protein (p.Arg234Gln). This variant is not present in population databases (gnomAD no frequency). This variant has not been reported in the literature in individuals affected with GCDH-related conditions. Advanced modeling of protein sequence and biophysical properties (such as structural, functional, and spatial information, amino acid conservation, physicochemical variation, residue mobility, and thermodynamic stability) performed at Invitae indicates that this missense variant is expected to disrupt GCDH protein function. Algorithms developed to predict the effect of sequence changes on RNA splicing suggest that this variant may create or strengthen a splice site. This variant disrupts the p.Arg234 amino acid residue in GCDH. Other variant(s) that disrupt this residue have been determined to be pathogenic (PMID: 25190159, 30570710; Invitae). This suggests that this residue is clinically significant, and that variants that disrupt this residue are likely to be disease-causing. In summary, the currently available evidence indicates that the variant is pathogenic, but additional data are needed to prove that conclusively. Therefore, this variant has been classified as Likely Pathogenic.

Literature cited by the submitters: PubMed 37020324 (cited by Women's Health and Genetics/Laboratory Corporation of America, LabCorp); PubMed 34517439 (cited by Women's Health and Genetics/Laboratory Corporation of America, LabCorp); PubMed 25190159 (cited by Labcorp Genetics (formerly Invitae), Labcorp); PubMed 30570710 (cited by Labcorp Genetics (formerly Invitae), Labcorp).

NM_000159.4(GCDH):c.701G>A (p.Arg234Gln)

Gene: GCDH (glutaryl-CoA dehydrogenase; plus strand). Cytogenetic location: 19p13.13.
Variant type: single nucleotide variant.
Coding change: c.701G>A on transcript NM_000159.4 (MANE Select); coding-DNA position 701, G replaced by A.
Protein change: p.Arg234Gln; replaces arginine 234 with glutamine.
Molecular consequence: missense variant. On other transcripts: non-coding transcript variant (2).
Genome position (GRCh38, 1-based): chr19:12,896,270, G>A. VCF-style: chr19-12896270-G-A. GRCh37 (hg19) VCF-style: chr19-13007084-G-A.
Other names: c.701G>A, p.Arg234Gln (NM_013976.5); short protein forms R234Q.
Identifiers: ClinVar variation 1502957 (VCV001502957.7), dbSNP rs1203022386, ClinGen allele CA404318678.
Genomic context (GRCh38, chr19:12,896,270, plus strand): 5'-CGAACTCGCCTATGGCCGATCTGTTTGTAGTGTGGGCTCGGTGTGAAGATGGCTGCATTC[G>A]GGGCTTCCTGCTGGAGAAGGGGATGCGGGGTCTCTCGGCCCCCAGGATCCAGGGCAAGTT-3'
Protein context (NP_000150.1, residues 224-244): VWARCEDGCI[Arg234Gln]GFLLEKGMRG